The following is an entry in ClinVar:

ClinVar aggregate classification (germline): Pathogenic (1 of 4 stars; one submission).

Conditions:
Osteogenesis imperfecta type I (OI1). Also called: OI, TYPE I; OSTEOGENESIS IMPERFECTA TARDA; OSTEOGENESIS IMPERFECTA WITH BLUE SCLERAE; Osteogenesis imperfecta type 1; Lobstein's Disease; Classic Non-deforming Osteogenesis Imperfecta with Blue Sclerae. Identifiers: Orphanet 216796, Orphanet 666, MedGen C0023931, MONDO:0008146, OMIM 166200. Disease mechanism: loss of function.

Submission:

Labcorp Genetics (formerly Invitae), Labcorp
Classification: Pathogenic for Osteogenesis imperfecta type I. Last evaluated: 2023-09-11. Review status: criteria provided, single submitter. Criteria: Invitae Variant Classification Sherloc (09022015). Collection method: clinical testing. Allele origin: germline.
Comment: For these reasons, this variant has been classified as Pathogenic. This variant has not been reported in the literature in individuals affected with COL1A1-related conditions. This variant is not present in population databases (gnomAD no frequency). This sequence change creates a premature translational stop signal (p.Gly722Alafs*44) in the COL1A1 gene. It is expected to result in an absent or disrupted protein product. Loss-of-function variants in COL1A1 are known to be pathogenic (PMID: 7942841, 9295084, 9443882).

Literature cited by the submitters: PubMed 7942841; PubMed 9295084; PubMed 9443882.

NM_000088.4(COL1A1):c.2165del (p.Gly722fs)

Gene: COL1A1 (collagen type I alpha 1 chain; minus strand). Cytogenetic location: 17q21.33.
Variant type: Deletion.
Coding change: c.2165del on transcript NM_000088.4 (MANE Select); coding-DNA position 2165, one base deleted (G; older notation c.2165delG).
Protein change: p.Gly722fs; shifts the reading frame from glycine 722.
Molecular consequence: frameshift variant.
Genome position (GRCh38, 1-based): chr17:50,191,453, C deleted on the plus strand (G on the coding strand, the reverse complement: COL1A1 is on the minus strand); the first of 3 consecutive C bases (chr17:50,191,453-50,191,455); deleting any one gives the same sequence. VCF-style (leftmost placement, unchanged base first): chr17-50191452-GC-G. GRCh37 (hg19) VCF-style: chr17-48268813-GC-G.
Other names: short protein forms G722fs.
Identifiers: ClinVar variation 2760101 (VCV002760101.3), dbSNP rs2509197349, ClinGen allele CA2697560401.